The following is an entry in ClinVar:

NM_002691.4(POLD1):c.2334C>A (p.Ala778=)

Gene: POLD1 (DNA polymerase delta 1, catalytic subunit; plus strand). Cytogenetic location: 19q13.33.
Variant type: single nucleotide variant.
Coding change: c.2334C>A on transcript NM_002691.4 (MANE Select); coding-DNA position 2334, C replaced by A.
Protein change: p.Ala778=; no amino-acid change (alanine 778 retained).
Molecular consequence: synonymous variant. On other transcripts: non-coding transcript variant (1).
Genome position (GRCh38, 1-based): chr19:50,413,825, C>A. VCF-style: chr19-50413825-C-A. GRCh37 (hg19) VCF-style: chr19-50917082-C-A.
Other names: c.2334C>A, p.Ala778= (NM_001256849.1); c.2412C>A, p.Ala804= (NM_001308632.1).
Identifiers: ClinVar variation 469251 (VCV000469251.13), dbSNP rs1472994995, ClinGen allele CA508305189.

ClinVar aggregate classification (germline): Likely benign. Review status: criteria provided, multiple submitters, no conflicts (2 of 4 stars). 3 submissions from 3 submitters: Likely benign (3). Last evaluated 2017-08-02.

Conditions:
Hereditary cancer-predisposing syndrome. Also called: Neoplastic Syndromes, Hereditary; Hereditary neoplastic syndrome; Tumor predisposition; Hereditary Cancer Syndrome. Identifiers: Orphanet 140162, MedGen C0027672, MeSH D009386, MONDO:0015356.
POLD1-related polyposis and colorectal cancer syndrome (CRCS10). Also called: Colorectal cancer 10; COLORECTAL CANCER, SUSCEPTIBILITY TO, ON CHROMOSOME 19q; Colorectal cancer, susceptibility to, 10. Identifiers: Orphanet 220460, MedGen C2675481, MONDO:0012953, OMIM 612591.

gnomAD v4.1: 1 of 1,612,330 alleles (0.000062%); highest among the groups gnomAD compares: African/African-American, 0.0013%; no homozygotes.

Submissions (3):

GeneDx
Classification: Likely benign. Last evaluated: 2017-08-02. Review status: criteria provided, single submitter. Criteria: GeneDx Variant Classification (06012015). Collection method: clinical testing. Allele origin: germline. Affected: yes.
Comment: This variant is considered likely benign or benign based on one or more of the following criteria: it is a conservative change, it occurs at a poorly conserved position in the protein, it is predicted to be benign by multiple in silico algorithms, and/or has population frequency not consistent with disease.

Labcorp Genetics (formerly Invitae), Labcorp
Classification: Likely benign for POLD1-related polyposis and colorectal cancer syndrome. Last evaluated: 2017-05-08. Review status: criteria provided, single submitter. Criteria: Invitae Variant Classification Sherloc (09022015). Collection method: clinical testing. Allele origin: germline.

Ambry Genetics
Classification: Likely benign for Hereditary cancer-predisposing syndrome. Last evaluated: 2016-05-02. Review status: criteria provided, single submitter. Criteria: Ambry Variant Classification Scheme 2023. Collection method: clinical testing. Allele origin: germline.